The following is an entry in ClinVar:

ClinVar aggregate classification (germline): Uncertain significance. Review status: criteria provided, multiple submitters, no conflicts (2 of 4 stars). 2 submissions from 2 submitters: Uncertain significance (2). Last evaluated 2024-07-24.

gnomAD v4.1: 3 of 1,614,038 alleles (0.00019%); highest among the groups gnomAD compares: Non-Finnish European, 0.00025%; no homozygotes.

Submissions (2):

Women's Health and Genetics/Laboratory Corporation of America, LabCorp
Classification: Uncertain significance. Last evaluated: 2024-07-24. Review status: criteria provided, single submitter. Criteria: LabCorp Variant Classification Summary - May 2015. Collection method: clinical testing. Allele origin: germline.
Comment: Variant summary: PDE6A c.305G>T (p.Arg102Leu) results in a non-conservative amino acid change located in the GAF domain (IPR003018) of the encoded protein sequence. Five of five in-silico tools predict a damaging effect of the variant on protein function. The frequency data for this variant in gnomAD is considered unreliable, as metrics indicate poor data quality at this position. To our knowledge, no occurrence of c.305G>T in individuals affected with Retinitis pigmentosa 43 and no experimental evidence demonstrating its impact on protein function have been reported. However, at least 3 different missense variants at this codon (p.Arg102His, p.Arg102Cys, p.Arg102Ser) have been reported to be likely pathogenic/pathogenic in ClinVar, supporting the critical relevance of codon 102 to PDE6A protein function. No submitters have cited clinical-significance assessments for this variant to ClinVar. Based on the evidence outlined above, the variant was classified as VUS-possibly pathogenic.

Blueprint Genetics
Classification: Uncertain significance. Last evaluated: 2021-06-14. Review status: criteria provided, single submitter. Criteria: ACMG Guidelines, 2015. Collection method: clinical testing. Allele origin: germline.

NM_000440.3(PDE6A):c.305G>T (p.Arg102Leu)

Gene: PDE6A (phosphodiesterase 6A; minus strand). Cytogenetic location: 5q32.
Variant type: single nucleotide variant.
Coding change: c.305G>T on transcript NM_000440.3 (MANE Select); coding-DNA position 305, G replaced by T.
Protein change: p.Arg102Leu; replaces arginine 102 with leucine.
Molecular consequence: missense variant.
Genome position (GRCh38, 1-based): chr5:149,944,369, C>A on the plus strand (G>T on the coding strand, the complement: PDE6A is on the minus strand). VCF-style: chr5-149944369-C-A. GRCh37 (hg19) VCF-style: chr5-149323932-C-A.
Other names: c.305G>T, p.Arg102Leu (NM_001410788.1); short protein forms R102L.
Identifiers: ClinVar variation 3339343 (VCV003339343.2).